The following is an entry in ClinVar:

ClinVar aggregate classification (germline): Uncertain significance. Review status: criteria provided, multiple submitters, no conflicts (2 of 4 stars). 2 submissions from 2 submitters: Uncertain significance (2). Last evaluated 2025-12-08.

Conditions:
Inborn genetic diseases. Identifiers: MedGen C0950123, MeSH D030342.

Allele frequency attached by ClinVar (database versions not stated): ExAC 0.00001; gnomAD 0.00001; gnomAD exomes 0.00001.
gnomAD v4.1: 9 of 1,611,684 alleles (0.00056%); highest among the groups gnomAD compares: Admixed American, 0.012%; no homozygotes.

Submissions (2):

Ambry Genetics
Classification: Uncertain significance for Inborn genetic diseases. Last evaluated: 2025-12-08. Review status: criteria provided, single submitter. Criteria: Ambry Variant Classification Scheme 2023. Collection method: clinical testing. Allele origin: germline.

Labcorp Genetics (formerly Invitae), Labcorp
Classification: Uncertain significance. Last evaluated: 2025-02-17. Review status: criteria provided, single submitter. Criteria: Invitae Variant Classification Sherloc (09022015). Collection method: clinical testing. Allele origin: germline.
Comment: This sequence change replaces alanine, which is neutral and non-polar, with aspartic acid, which is acidic and polar, at codon 1413 of the COL27A1 protein (p.Ala1413Asp). This variant is present in population databases (rs752888020, gnomAD 0.009%). This variant has not been reported in the literature in individuals affected with COL27A1-related conditions. ClinVar contains an entry for this variant (Variation ID: 1352216). Invitae Evidence Modeling of protein sequence and biophysical properties (such as structural, functional, and spatial information, amino acid conservation, physicochemical variation, residue mobility, and thermodynamic stability) indicates that this missense variant is not expected to disrupt COL27A1 protein function with a negative predictive value of 80%. In summary, the available evidence is currently insufficient to determine the role of this variant in disease. Therefore, it has been classified as a Variant of Uncertain Significance.

NM_032888.4(COL27A1):c.4238C>A (p.Ala1413Asp)

Gene: COL27A1 (collagen type XXVII alpha 1 chain; plus strand). Cytogenetic location: 9q32.
Variant type: single nucleotide variant.
Coding change: c.4238C>A on transcript NM_032888.4 (MANE Select); coding-DNA position 4238, C replaced by A.
Protein change: p.Ala1413Asp; replaces alanine 1413 with aspartic acid.
Molecular consequence: missense variant.
Genome position (GRCh38, 1-based): chr9:114,290,089, C>A. VCF-style: chr9-114290089-C-A. GRCh37 (hg19) VCF-style: chr9-117052369-C-A.
Other names: c.4238C>A (NM_032888.2); short protein forms A1413D.
Identifiers: ClinVar variation 1352216 (VCV001352216.7), dbSNP rs752888020, ClinGen allele CA5202872.